The following is an entry in ClinVar:

ClinVar aggregate classification (germline): Uncertain significance (1 of 4 stars; one submission).

Conditions:
Neurodevelopmental disorder with microcephaly, seizures, and cortical atrophy. Identifiers: MedGen C4540493, MONDO:0060621, OMIM 617802.

Submission:

MGZ Medical Genetics Center
Classification: Uncertain significance for Neurodevelopmental disorder with microcephaly, seizures, and cortical atrophy. Last evaluated: 2022-02-03. Review status: criteria provided, single submitter. Criteria: ACMG Guidelines, 2015. Collection method: clinical testing. Allele origin: germline. Affected: yes. Observed: 1 variant allele.
Comment: ACMG criteria applied: PM2_SUP, BP4

NM_006295.3(VARS1):c.3688A>G (p.Lys1230Glu)

Gene: VARS1 (valyl-tRNA synthetase 1; minus strand). Cytogenetic location: 6p21.33.
Variant type: single nucleotide variant.
Coding change: c.3688A>G on transcript NM_006295.3 (MANE Select); coding-DNA position 3688, A replaced by G.
Protein change: p.Lys1230Glu; replaces lysine 1230 with glutamic acid.
Molecular consequence: missense variant.
Genome position (GRCh38, 1-based): chr6:31,779,005, T>C on the plus strand (A>G on the coding strand, the complement: VARS1 is on the minus strand). VCF-style: chr6-31779005-T-C. GRCh37 (hg19) VCF-style: chr6-31746782-T-C.
Other names: short protein forms K1230E.
Identifiers: ClinVar variation 1710042 (VCV001710042.2), dbSNP rs2537582454, ClinGen allele CA363429288.